The following is an entry in ClinVar:

ClinVar aggregate classification (germline): Uncertain significance. Review status: criteria provided, multiple submitters, no conflicts (2 of 4 stars). 6 submissions from 6 submitters: Uncertain significance (6). Last evaluated 2025-09-22.

Conditions:
Hereditary nonpolyposis colorectal neoplasms. Identifiers: MedGen C0009405, MeSH D003123.
Hereditary cancer-predisposing syndrome. Also called: Hereditary neoplastic syndrome; Hereditary Cancer Syndrome; Tumor predisposition; Neoplastic Syndromes, Hereditary. Identifiers: Orphanet 140162, MedGen C0027672, MeSH D009386, MONDO:0015356.

Allele frequency attached by ClinVar (database versions not stated): ExAC 0.00001; gnomAD 0.00001; gnomAD exomes 0.00001; 1000 Genomes Project 30x 0.00016; 1000 Genomes Project 0.00020.

Submissions (6):

Ambry Genetics
Classification: Uncertain significance for Hereditary cancer-predisposing syndrome. Last evaluated: 2025-09-22. Review status: criteria provided, single submitter. Criteria: Ambry Variant Classification Scheme 2023. Collection method: clinical testing. Allele origin: germline.
Comment: The p.V1253L variant (also known as c.3757G>C), located in coding exon 8 of the MSH6 gene, results from a G to C substitution at nucleotide position 3757. The valine at codon 1253 is replaced by leucine, an amino acid with highly similar properties. This alteration was detected in a cohort of 1666 patients undergoing genetic assessment at a hereditary breast and ovarian cancer center (Chapman-Davis E et al. J Gen Intern Med, 2021 01;36:35-42). This amino acid position is highly conserved in available vertebrate species. In addition, this alteration is predicted to be deleterious by in silico analysis. Since supporting evidence is limited at this time, the clinical significance of this alteration remains unclear.

Women's Health and Genetics/Laboratory Corporation of America, LabCorp
Classification: Uncertain significance. Last evaluated: 2025-06-09. Review status: criteria provided, single submitter. Criteria: LabCorp Variant Classification Summary - May 2015. Collection method: clinical testing. Allele origin: germline.
Comment: Variant summary: MSH6 c.3757G>C (p.Val1253Leu) results in a conservative amino acid change in the encoded protein sequence. Algorithms developed to predict the effect of missense changes on protein structure and function are either unavailable or do not agree on the potential impact of this missense change. The variant was absent in 251190 control chromosomes. The available data on variant occurrences in the general population are insufficient to allow any conclusion about variant significance. c.3757G>C has been observed in individual(s) affected with biliary tract cancer, as well as healthy controls (Okawa_2023). These report(s) do not provide unequivocal conclusions about association of the variant with Lynch Syndrome. To our knowledge, no experimental evidence demonstrating an impact on protein function has been reported. The following publication has been ascertained in the context of this evaluation (PMID: 36243179). ClinVar contains an entry for this variant (Variation ID: 1523783). Based on the evidence outlined above, the variant was classified as uncertain significance.

Labcorp Genetics (formerly Invitae), Labcorp
Classification: Uncertain significance for Hereditary nonpolyposis colorectal neoplasms. Last evaluated: 2023-08-02. Review status: criteria provided, single submitter. Criteria: Invitae Variant Classification Sherloc (09022015). Collection method: clinical testing. Allele origin: germline.
Comment: In summary, the available evidence is currently insufficient to determine the role of this variant in disease. Therefore, it has been classified as a Variant of Uncertain Significance. Advanced modeling of protein sequence and biophysical properties (such as structural, functional, and spatial information, amino acid conservation, physicochemical variation, residue mobility, and thermodynamic stability) performed at Invitae indicates that this missense variant is not expected to disrupt MSH6 protein function. ClinVar contains an entry for this variant (Variation ID: 1523783). This variant has not been reported in the literature in individuals affected with MSH6-related conditions. This variant is present in population databases (rs187491488, gnomAD 0.006%). This sequence change replaces valine, which is neutral and non-polar, with leucine, which is neutral and non-polar, at codon 1253 of the MSH6 protein (p.Val1253Leu).

Quest Diagnostics Nichols Institute San Juan Capistrano
Classification: Uncertain significance. Last evaluated: 2023-03-10. Review status: criteria provided, single submitter. Criteria: Quest Diagnostics criteria. Collection method: clinical testing. Allele origin: unknown.
Comment: The frequency of this variant in the general population, 0.0000087 (1/114572 chromosomes), is uninformative in assessment of its pathogenicity. In the published literature, the variant has been reported by an in-silico tool to have no effect on MSH6 gene or gene product (PMID: 23621914 (2013)). Analysis of this variant using bioinformatics tools for the prediction of the effect of amino acid changes on protein structure and function yielded predictions that this variant is benign. Based on the available information, we are unable to determine the clinical significance of this variant.

Color Diagnostics, LLC DBA Color Health
Classification: Uncertain significance for Hereditary cancer-predisposing syndrome. Last evaluated: 2022-03-21. Review status: criteria provided, single submitter. Criteria: ACMG Guidelines, 2015. Collection method: clinical testing. Allele origin: germline.
Comment: This missense variant replaces valine with leucine at codon 1253 of the MSH6 protein. Computational prediction suggests that this variant may have deleterious impact on protein structure and function (internally defined REVEL score threshold >= 0.7, PMID: 27666373). To our knowledge, functional studies have not been reported for this variant. This variant has been reported in an individual affected with pancreatic cancer (PMID: 32980694) but also in multiple control individuals (PMID: 32980694). This variant has not been identified in the general population by the Genome Aggregation Database (gnomAD). The available evidence is insufficient to determine the role of this variant in disease conclusively. Therefore, this variant is classified as a Variant of Uncertain Significance.

GeneDx
Classification: Uncertain significance. Last evaluated: 2022-02-24. Review status: criteria provided, single submitter. Criteria: GeneDx Variant Classification Process June 2021. Collection method: clinical testing. Allele origin: germline. Affected: yes.
Comment: Not observed at significant frequency in large population cohorts (gnomAD); In silico analysis supports that this missense variant does not alter protein structure/function; Has not been previously published as pathogenic or benign to our knowledge; This variant is associated with the following publications: (PMID: 17531815, 21120944)

Literature cited by the submitters: PubMed 32720237 (cited by Ambry Genetics); PubMed 36243179 (cited by Women's Health and Genetics/Laboratory Corporation of America, LabCorp); PubMed 23621914 (cited by Quest Diagnostics Nichols Institute San Juan Capistrano); PubMed 32980694 (cited by Color Diagnostics, LLC DBA Color Health).

NM_000179.3(MSH6):c.3757G>C (p.Val1253Leu)

Gene: MSH6 (mutS homolog 6; plus strand). Cytogenetic location: 2p16.3.
Variant type: single nucleotide variant.
Coding change: c.3757G>C on transcript NM_000179.3 (MANE Select); coding-DNA position 3757, G replaced by C.
Protein change: p.Val1253Leu; replaces valine 1253 with leucine.
Molecular consequence: missense variant.
Genome position (GRCh38, 1-based): chr2:47,806,314, G>C. VCF-style: chr2-47806314-G-C. GRCh37 (hg19) VCF-style: chr2-48033453-G-C.
Other names: c.3367G>C, p.Val1123Leu (NM_001281492.2); c.2851G>C, p.Val951Leu (NM_001281493.2, NM_001281494.2); short protein forms V951L, V1123L, V1253L.
Identifiers: ClinVar variation 1523783 (VCV001523783.16), dbSNP rs187491488, ClinGen allele CA071959.